The following is an entry in ClinVar:

ClinVar aggregate classification (germline): Uncertain significance (1 of 4 stars; one submission).

Conditions:
Maple syrup urine disease (MSUD). Identifiers: Orphanet 511, MedGen C0024776, MeSH D008375, MONDO:0009563. Disease mechanism: loss of function.

Submission:

Labcorp Genetics (formerly Invitae), Labcorp
Classification: Uncertain significance for Maple syrup urine disease. Last evaluated: 2022-10-03. Review status: criteria provided, single submitter. Criteria: Invitae Variant Classification Sherloc (09022015). Collection method: clinical testing. Allele origin: germline.
Comment: In summary, the available evidence is currently insufficient to determine the role of this variant in disease. Therefore, it has been classified as a Variant of Uncertain Significance. Algorithms developed to predict the effect of sequence changes on RNA splicing suggest that this variant may create or strengthen a splice site. Algorithms developed to predict the effect of missense changes on protein structure and function (SIFT, PolyPhen-2, Align-GVGD) all suggest that this variant is likely to be tolerated. ClinVar contains an entry for this variant (Variation ID: 1381251). This variant has not been reported in the literature in individuals affected with BCKDHB-related conditions. This variant is not present in population databases (gnomAD no frequency). This sequence change replaces aspartic acid, which is acidic and polar, with glycine, which is neutral and non-polar, at codon 44 of the BCKDHB protein (p.Asp44Gly).

NM_183050.4(BCKDHB):c.131A>G (p.Asp44Gly)

Gene: BCKDHB (branched chain keto acid dehydrogenase E1 subunit beta; plus strand). Cytogenetic location: 6q14.1.
Variant type: single nucleotide variant.
Coding change: c.131A>G on transcript NM_183050.4 (MANE Select); coding-DNA position 131, A replaced by G.
Protein change: p.Asp44Gly; replaces aspartic acid 44 with glycine.
Molecular consequence: missense variant. On other transcripts: non-coding transcript variant (1), intron variant (1).
Genome position (GRCh38, 1-based): chr6:80,106,824, A>G. VCF-style: chr6-80106824-A-G. GRCh37 (hg19) VCF-style: chr6-80816541-A-G.
Other names: c.131A>G, p.Asp44Gly (NM_000056.5); c.-15+141A>G (NM_001318975.1); short protein forms D44G.
Identifiers: ClinVar variation 1381251 (VCV001381251.6), dbSNP rs2127699100, ClinGen allele CA364658259.